The following is an entry in ClinVar:

NM_015001.3(SPEN):c.3419C>T (p.Thr1140Ile)

Gene: SPEN (spen family transcriptional repressor; plus strand). Cytogenetic location: 1p36.13.
Variant type: single nucleotide variant.
Coding change: c.3419C>T on transcript NM_015001.3 (MANE Select); coding-DNA position 3419, C replaced by T.
Protein change: p.Thr1140Ile; replaces threonine 1140 with isoleucine.
Molecular consequence: missense variant.
Genome position (GRCh38, 1-based): chr1:15,929,659, C>T. VCF-style: chr1-15929659-C-T. GRCh37 (hg19) VCF-style: chr1-16256154-C-T.
Other names: short protein forms T1140I.
Identifiers: ClinVar variation 4536585 (VCV004536585.2).

ClinVar aggregate classification (germline): Uncertain significance (1 of 4 stars; one submission).

Submission:

GeneDx
Classification: Uncertain significance. Last evaluated: 2026-10-01. Review status: criteria provided, single submitter. Criteria: GeneDx Variant Classification Process June 2021. Collection method: clinical testing. Allele origin: germline.
Comment: Not observed at significant frequency in large population cohorts (gnomAD); In silico analysis suggests that this missense variant does not alter protein structure/function; Has not been previously published as pathogenic or benign to our knowledge